The following is an entry in ClinVar:

ClinVar aggregate classification (germline): Uncertain significance. Review status: criteria provided, multiple submitters, no conflicts (2 of 4 stars). 2 submissions from 2 submitters: Uncertain significance (2). Last evaluated 2023-02-28.

Conditions:
Hereditary cancer-predisposing syndrome. Also called: Neoplastic Syndromes, Hereditary; Tumor predisposition; Hereditary Cancer Syndrome; Hereditary neoplastic syndrome. Identifiers: Orphanet 140162, MedGen C0027672, MeSH D009386, MONDO:0015356.

Submissions (2):

Color Diagnostics, LLC DBA Color Health
Classification: Uncertain significance for Hereditary cancer-predisposing syndrome. Last evaluated: 2023-02-28. Review status: criteria provided, single submitter. Criteria: ACMG Guidelines, 2015. Collection method: clinical testing. Allele origin: germline.
Comment: This missense variant replaces serine with asparagine at codon 1074 of the BRCA2 protein. Computational prediction suggests that this variant may not impact protein structure and function (internally defined REVEL score threshold <= 0.5, PMID: 27666373). To our knowledge, functional studies have not been reported for this variant. This variant has been reported in an individual affected with leukemia (PMID: 26886259). This variant has not been identified in the general population by the Genome Aggregation Database (gnomAD). The available evidence is insufficient to determine the role of this variant in disease conclusively. Therefore, this variant is classified as a Variant of Uncertain Significance.

Ambry Genetics
Classification: Uncertain significance for Hereditary cancer-predisposing syndrome. Last evaluated: 2022-10-12. Review status: criteria provided, single submitter. Criteria: Ambry Variant Classification Scheme 2023. Collection method: clinical testing. Allele origin: germline.

Literature cited by the submitters: PubMed 26886259 (cited by Color Diagnostics, LLC DBA Color Health).

NM_000059.4(BRCA2):c.3221G>A (p.Ser1074Asn)

Gene: BRCA2 (BRCA2 DNA repair associated; plus strand). Cytogenetic location: 13q13.1.
Variant type: single nucleotide variant.
Coding change: c.3221G>A on transcript NM_000059.4 (MANE Select); coding-DNA position 3221, G replaced by A.
Protein change: p.Ser1074Asn; replaces serine 1074 with asparagine.
Molecular consequence: missense variant. On other transcripts: non-coding transcript variant (1), intron variant (2).
Genome position (GRCh38, 1-based): chr13:32,337,576, G>A. VCF-style: chr13-32337576-G-A. GRCh37 (hg19) VCF-style: chr13-32911713-G-A.
Other names: c.3221G>A, p.Ser1074Asn (NM_001406719.1, NM_001406720.1); c.1909+4189G>A (NM_001406721.1); c.424+6546G>A (NM_001406722.1); short protein forms S1074N.
Identifiers: ClinVar variation 2774895 (VCV002774895.3), dbSNP rs2137494452, ClinGen allele CA387775901.